The following is an entry in ClinVar:

ClinVar aggregate classification (germline): Uncertain significance (1 of 4 stars; one submission).

Conditions:
Dyskeratosis congenita, autosomal recessive 5 (DKCB5). Identifiers: MedGen C3554656, MONDO:0014076, OMIM 615190.
Pulmonary fibrosis and/or bone marrow failure, Telomere-related, 3. Also called: PULMONARY FIBROSIS AND/OR BONE MARROW FAILURE SYNDROME, TELOMERE-RELATED, 3. Identifiers: Orphanet 2032, MedGen C4225346, MONDO:0014613, OMIM 616373.

gnomAD v4.1: 2 of 1,612,044 alleles (0.00012%); highest among the groups gnomAD compares: Non-Finnish European, 0.00017%; no homozygotes.

Submission:

Labcorp Genetics (formerly Invitae), Labcorp
Classification: Uncertain significance for Dyskeratosis congenita, autosomal recessive 5; Pulmonary fibrosis and/or bone marrow failure, Telomere-related, 3. Last evaluated: 2024-08-10. Review status: criteria provided, single submitter. Criteria: Invitae Variant Classification Sherloc (09022015). Collection method: clinical testing. Allele origin: germline.
Comment: This sequence change replaces asparagine, which is neutral and polar, with serine, which is neutral and polar, at codon 37 of the RTEL1 protein (p.Asn37Ser). This variant is not present in population databases (gnomAD no frequency). This variant has not been reported in the literature in individuals affected with RTEL1-related conditions. An algorithm developed to predict the effect of missense changes on protein structure and function (PolyPhen-2) suggests that this variant is likely to be disruptive. Algorithms developed to predict the effect of sequence changes on RNA splicing suggest that this variant may disrupt the consensus splice site. In summary, the available evidence is currently insufficient to determine the role of this variant in disease. Therefore, it has been classified as a Variant of Uncertain Significance.

NM_001283009.2(RTEL1):c.110A>G (p.Asn37Ser)

Genes: RTEL1 (regulator of telomere elongation helicase 1; plus strand), RTEL1-TNFRSF6B (RTEL1-TNFRSF6B readthrough (NMD candidate); plus strand). Cytogenetic location: 20q13.33.
Variant type: single nucleotide variant.
Coding change: c.110A>G on transcript NM_001283009.2 (MANE Select); coding-DNA position 110, A replaced by G.
Protein change: p.Asn37Ser; replaces asparagine 37 with serine.
Molecular consequence: missense variant. On other transcripts: non-coding transcript variant (1), 5 prime UTR variant (1).
Genome position (GRCh38, 1-based): chr20:63,661,305, A>G. VCF-style: chr20-63661305-A-G. GRCh37 (hg19) VCF-style: chr20-62292658-A-G.
Other names: c.-560A>G (NM_001283010.1); c.110A>G, p.Asn37Ser (NM_016434.4, NM_032957.5); short protein forms N37S.
Identifiers: ClinVar variation 3763687 (VCV003763687.2).
Genomic context (GRCh38, chr20:63,661,305, plus strand): 5'-TGGCCTCGCCTCTTCCTGGCTTCCCCGTAACCCTTGCTCCGAACTCCGTTCAGAAGGTGA[A>G]TGGCATCCTGGAGAGCCCTACGGGTACAGGGAAGACGCTGTGCCTGCTGTGCACCACGCT-3'
Protein context (NP_001269938.1, residues 27-47): KVLECLQQKV[Asn37Ser]GILESPTGTG